The following is an entry in ClinVar:

NM_000284.4(PDHA1):c.954dup (p.Leu319fs)

Gene: PDHA1 (pyruvate dehydrogenase E1 subunit alpha 1; plus strand). Cytogenetic location: Xp22.12.
Variant type: Duplication.
Coding change: c.954dup on transcript NM_000284.4 (MANE Select); coding-DNA position 954, one base duplicated (G; older notation c.954dupG).
Protein change: p.Leu319fs; shifts the reading frame from leucine 319.
Molecular consequence: frameshift variant.
Genome position (GRCh38, 1-based): chrX:19,358,970, G duplicated. VCF-style (leftmost placement, unchanged base first): chrX-19358969-T-TG. GRCh37 (hg19) VCF-style: chrX-19377087-T-TG.
Other names: c.1068dup, p.Leu357fs (NM_001173454.2); c.975dup, p.Leu326fs (NM_001173455.2); c.861dup, p.Leu288fs (NM_001173456.2); short protein forms L326fs, L319fs, L288fs, L357fs.
Identifiers: ClinVar variation 280622 (VCV000280622.2), dbSNP rs886041793, ClinGen allele CA10603427.

ClinVar aggregate classification (germline): Pathogenic (1 of 4 stars; one submission).

Submission:

GeneDx
Classification: Pathogenic. Last evaluated: 2016-05-18. Review status: criteria provided, single submitter. Criteria: GeneDx Variant Classification (06012015). Collection method: clinical testing. Allele origin: germline. Affected: yes.
Comment: The c.954dupG pathogenic variant in the PDHA1 gene has not been reported previously as a pathogenic variant nor as a benign variant, to our knowledge. The c.954dupG variant causes a frameshift starting with codon Leucine 319, changes this amino acid to a Alanine residue, and creates a premature Stop codon at position 21 of the new reading frame, denoted p.Leu319AlafsX21. This variant is predicted to cause loss of normal protein function through protein truncation. The c.954dupG variant was not observed in approximately 6,500 individuals of European and African American ancestry in the NHLBI Exome Sequencing Project, indicating it is not a common benign variant in these populations. We interpret c.954dupG as a pathogenic variant.